The following is an entry in ClinVar:

ClinVar aggregate classification (germline): Uncertain significance (1 of 4 stars; one submission).

Conditions:
Hereditary cancer-predisposing syndrome. Also called: Hereditary Cancer Syndrome; Tumor predisposition; Hereditary neoplastic syndrome; Neoplastic Syndromes, Hereditary. Identifiers: Orphanet 140162, MedGen C0027672, MeSH D009386, MONDO:0015356.

Submission:

Hereditary Cancer Group, L’Institut d'Investigació Biomèdica de Bellvitge
Classification: Uncertain significance for Hereditary cancer-predisposing syndrome. Last evaluated: 2024-12-19. Review status: criteria provided, single submitter. Criteria: Hatton et al. (Hum Mutat. 2023). Collection method: clinical testing. Allele origin: germline. Inheritance: Autosomal dominant inheritance. Affected: yes.
Comment: PM2_supporting, BP4

NM_177438.3(DICER1):c.4512C>G (p.Ser1504Arg)

Gene: DICER1 (dicer 1, ribonuclease III; minus strand). Cytogenetic location: 14q32.13.
Variant type: single nucleotide variant.
Coding change: c.4512C>G on transcript NM_177438.3 (MANE Select); coding-DNA position 4512, C replaced by G.
Protein change: p.Ser1504Arg; replaces serine 1504 with arginine.
Molecular consequence: missense variant. On other transcripts: non-coding transcript variant (6).
Genome position (GRCh38, 1-based): chr14:95,096,408, G>C on the plus strand (C>G on the coding strand, the complement: DICER1 is on the minus strand). VCF-style: chr14-95096408-G-C. GRCh37 (hg19) VCF-style: chr14-95562745-G-C.
Other names: c.4512C>G, p.Ser1504Arg (NM_001195573.1, NM_001271282.3, NM_001291628.2 and 12 more transcripts); c.4230C>G, p.Ser1410Arg (NM_001395686.1); c.4107C>G, p.Ser1369Arg (NM_001395687.1, NM_001395688.1, NM_001395689.1 and 2 more transcripts); c.3945C>G, p.Ser1315Arg (NM_001395691.1); c.2829C>G, p.Ser943Arg (NM_001395697.1); short protein forms S1315R, S1369R, S1410R, S1504R, S943R.
Identifiers: ClinVar variation 3393369 (VCV003393369.1).